The following is an entry in ClinVar:

NM_006231.4(POLE):c.2525T>C (p.Ile842Thr)

Gene: POLE (DNA polymerase epsilon, catalytic subunit; minus strand). Cytogenetic location: 12q24.33.
Variant type: single nucleotide variant.
Coding change: c.2525T>C on transcript NM_006231.4 (MANE Select); coding-DNA position 2525, T replaced by C.
Protein change: p.Ile842Thr; replaces isoleucine 842 with threonine.
Molecular consequence: missense variant.
Genome position (GRCh38, 1-based): chr12:132,664,406, A>G on the plus strand (T>C on the coding strand, the complement: POLE is on the minus strand). VCF-style: chr12-132664406-A-G. GRCh37 (hg19) VCF-style: chr12-133240992-A-G.
Other names: short protein forms I842T.
Identifiers: ClinVar variation 1056933 (VCV001056933.9), dbSNP rs2135958211, ClinGen allele CA387396351.
Genomic context (GRCh38, chr12:132,664,406, plus strand): 5'-CCACGGCTCCCCTTCTGCACTCACCCAATCTGCTCGATCAGCTCCCGTGCCTGGGTGATG[A>G]TGTTGGCCCCTGTGAAGCAGACGATGCCAGCCATCTCCATGGAGTACCAGCGAGCCCTGA-3'
Protein context (NP_006222.2, residues 832-852): AGIVCFTGAN[Ile842Thr]ITQARELIEQ

ClinVar aggregate classification (germline): Uncertain significance (1 of 4 stars; one submission).

Submission:

Labcorp Genetics (formerly Invitae), Labcorp
Classification: Uncertain significance. Last evaluated: 2026-01-05. Review status: criteria provided, single submitter. Criteria: Invitae Variant Classification Sherloc (09022015). Collection method: clinical testing. Allele origin: germline.
Comment: This sequence change replaces isoleucine, which is neutral and non-polar, with threonine, which is neutral and polar, at codon 842 of the POLE protein (p.Ile842Thr). This variant is not present in population databases (gnomAD no frequency). This variant has not been reported in the literature in individuals affected with POLE-related conditions. ClinVar contains an entry for this variant (Variation ID: 1056933). Invitae Evidence Modeling of protein sequence and biophysical properties (such as structural, functional, and spatial information, amino acid conservation, physicochemical variation, residue mobility, and thermodynamic stability) indicates that this missense variant is expected to disrupt POLE protein function with a positive predictive value of 80%. In summary, the available evidence is currently insufficient to determine the role of this variant in disease. Therefore, it has been classified as a Variant of Uncertain Significance.